The following is an entry in ClinVar:

ClinVar aggregate classification (germline): Uncertain significance (1 of 4 stars; one submission).

gnomAD v4.1: 8 of 1,613,190 alleles (0.0005%); highest among the groups gnomAD compares: African/African-American, 0.0013%; no homozygotes.

Submission:

Labcorp Genetics (formerly Invitae), Labcorp
Classification: Uncertain significance. Last evaluated: 2024-05-14. Review status: criteria provided, single submitter. Criteria: Invitae Variant Classification Sherloc (09022015). Collection method: clinical testing. Allele origin: germline.
Comment: This sequence change falls in intron 93 of the HMCN1 gene. It does not directly change the encoded amino acid sequence of the HMCN1 protein. This variant is present in population databases (rs780214503, gnomAD 0.003%). This variant has not been reported in the literature in individuals affected with HMCN1-related conditions. Algorithms developed to predict the effect of sequence changes on RNA splicing suggest that this variant may disrupt the consensus splice site. In summary, the available evidence is currently insufficient to determine the role of this variant in disease. Therefore, it has been classified as a Variant of Uncertain Significance.

NM_031935.3(HMCN1):c.14609-4A>G

Gene: HMCN1 (hemicentin 1; plus strand). Cytogenetic location: 1q31.1.
Variant type: single nucleotide variant.
Coding change: c.14609-4A>G on transcript NM_031935.3 (MANE Select); 4 bases into the intron before coding-DNA position 14609, A replaced by G.
Molecular consequence: intron variant.
Genome position (GRCh38, 1-based): chr1:186,151,196, A>G. VCF-style: chr1-186151196-A-G. GRCh37 (hg19) VCF-style: chr1-186120328-A-G.
Identifiers: ClinVar variation 3680624 (VCV003680624.2).
Genomic context (GRCh38, chr1:186,151,196, plus strand): 5'-TTCTCCCATGTAATGTTGATGAAATTGCATCCTTATCCAGGAATGTTTTTTTTTCCCCCA[A>G]TAGGTGGGCCCCAGCGAGCCAGAGGAAGTGTTATTGGAAATATTAATGATGTTGAATTTG-3'